The following is an entry in ClinVar:

NM_201384.3(PLEC):c.3194C>T (p.Ser1065Leu)

Gene: PLEC (plectin; minus strand). Cytogenetic location: 8q24.3.
Variant type: single nucleotide variant.
Coding change: c.3194C>T on transcript NM_201384.3 (MANE Select); coding-DNA position 3194, C replaced by T.
Protein change: p.Ser1065Leu; replaces serine 1065 with leucine.
Molecular consequence: missense variant.
Genome position (GRCh38, 1-based): chr8:143,929,169, G>A on the plus strand (C>T on the coding strand, the complement: PLEC is on the minus strand). VCF-style: chr8-143929169-G-A. GRCh37 (hg19) VCF-style: chr8-145003337-G-A.
Other names: c.3275C>T, p.Ser1092Leu (NM_000445.5); c.3152C>T, p.Ser1051Leu (NM_201378.4); c.3128C>T, p.Ser1043Leu (NM_201379.3); c.3605C>T, p.Ser1202Leu (NM_201380.4); c.3098C>T, p.Ser1033Leu (NM_201381.3); c.3194C>T, p.Ser1065Leu (NM_201382.4); c.3206C>T, p.Ser1069Leu (NM_201383.3); short protein forms S1043L, S1092L, S1202L, S1033L, S1051L, S1065L, S1069L.
Identifiers: ClinVar variation 1395644 (VCV001395644.8), dbSNP rs782446699, ClinGen allele CA4927173.

ClinVar aggregate classification (germline): Uncertain significance (1 of 4 stars; one submission).

Conditions:
Epidermolysis bullosa simplex 5B, with muscular dystrophy (EBS5B). Also called: Epidermolysis bullosa simplex with muscular dystrophy; EPIDERMOLYSIS BULLOSA SIMPLEX AND LIMB-GIRDLE MUSCULAR DYSTROPHY. Identifiers: Orphanet 257, MedGen C2931072, MONDO:0009181, OMIM 226670.
Epidermolysis bullosa simplex 5C, with pyloric atresia (EBS5C). Also called: PLEC1-Related Epidermolysis Bullosa with Pyloric Atresia; PLEC-Related Epidermolysis Bullosa with Pyloric Atresia; Epidermolysis bullosa simplex with pyloric atresia. Identifiers: Orphanet 158684, MedGen C2677349, MONDO:0012807, OMIM 612138.
Autosomal recessive limb-girdle muscular dystrophy type 2Q (LGMDR17). Also called: MUSCULAR DYSTROPHY, LIMB-GIRDLE, AUTOSOMAL RECESSIVE 17. Identifiers: Orphanet 254361, MedGen C3150989, MONDO:0013390, OMIM 613723.
Epidermolysis bullosa simplex, Ogna type (EBS5A). Also called: Pidermolysis bullosa simplex 5A, Ogna type; EPIDERMOLYSIS BULLOSA SIMPLEX 5A, OGNA TYPE. Identifiers: Orphanet 79401, MedGen C0432317, MONDO:0007555, OMIM 131950.
Epidermolysis bullosa simplex with nail dystrophy (EBS5D). Identifiers: MedGen C4225309, MONDO:0014661, OMIM 616487.

Allele frequency attached by ClinVar (database versions not stated): gnomAD 0.00001; TOPMed 0.00003; gnomAD exomes 0.00005; ExAC 0.00012.
gnomAD v4.1: 19 of 1,595,090 alleles (0.0012%); highest among the groups gnomAD compares: East Asian, 0.025%; no homozygotes.

Submission:

Labcorp Genetics (formerly Invitae), Labcorp
Classification: Uncertain significance for Autosomal recessive limb-girdle muscular dystrophy type 2Q; Epidermolysis bullosa simplex, Ogna type; Epidermolysis bullosa simplex with nail dystrophy; Epidermolysis bullosa simplex 5C, with pyloric atresia; Epidermolysis bullosa simplex 5B, with muscular dystrophy. Last evaluated: 2022-08-18. Review status: criteria provided, single submitter. Criteria: Invitae Variant Classification Sherloc (09022015). Collection method: clinical testing. Allele origin: germline.
Comment: This sequence change replaces serine, which is neutral and polar, with leucine, which is neutral and non-polar, at codon 1092 of the PLEC protein (p.Ser1092Leu). This variant is present in population databases (rs782446699, gnomAD 0.07%). This variant has not been reported in the literature in individuals affected with PLEC-related conditions. ClinVar contains an entry for this variant (Variation ID: 1395644). Algorithms developed to predict the effect of missense changes on protein structure and function are either unavailable or do not agree on the potential impact of this missense change (SIFT: "Deleterious"; PolyPhen-2: "Not Available"; Align-GVGD: "Class C65"). In summary, the available evidence is currently insufficient to determine the role of this variant in disease. Therefore, it has been classified as a Variant of Uncertain Significance.